The following is an entry in ClinVar:

ClinVar aggregate classification (germline): Uncertain significance. Review status: criteria provided, multiple submitters, no conflicts (2 of 4 stars). 3 submissions from 3 submitters: Uncertain significance (3). Last evaluated 2025-07-17.

Conditions:
Cardiomyopathy (CMYO). Also called: Cardiomyopathies. Identifiers: Orphanet 167848, MedGen C0878544, MONDO:0004994, HP:0001638. Inheritance: Various modes of inheritance.
Arrhythmogenic right ventricular dysplasia 11. Also called: Arrhythmogenic Right Ventricular Dysplasia/Cardiomyopathy11; ARRHYTHMOGENIC RIGHT VENTRICULAR DYSPLASIA, FAMILIAL, 11; Arrhythmogenic right ventricular dysplasia 11 with mild palmoplantar keratoderma and woolly hair. Identifiers: MedGen C1864850, MONDO:0012506, OMIM 610476.
Cardiovascular phenotype. Identifiers: MedGen CN230736.

Allele frequency attached by ClinVar (database versions not stated): gnomAD 0.00001; TOPMed 0.00001; ESP Exome Variant Server 0.00008; gnomAD exomes below 0.00001; ExAC 0.00001.
gnomAD v4.1: 2 of 1,613,968 alleles (0.00012%); highest among the groups gnomAD compares: African/African-American, 0.0013%; no homozygotes.

Submissions (3):

Color Diagnostics, LLC DBA Color Health
Classification: Uncertain significance for Cardiomyopathy. Last evaluated: 2025-07-17. Review status: criteria provided, single submitter. Criteria: ACMG Guidelines, 2015. Collection method: clinical testing. Allele origin: germline.
Comment: This missense variant replaces histidine with arginine at codon 803 of the DSC2 protein. Computational prediction suggests that this variant may not impact protein structure and function. To our knowledge, functional studies have not been reported for this variant. This variant has not been reported in individuals affected with DSC2-related disorders in the literature. This variant has been identified in 1/251260 chromosomes in the general population by the Genome Aggregation Database (gnomAD). The available evidence is insufficient to determine the role of this variant in disease conclusively. Therefore, this variant is classified as a Variant of Uncertain Significance.

Ambry Genetics
Classification: Uncertain significance for Cardiovascular phenotype. Last evaluated: 2022-01-10. Review status: criteria provided, single submitter. Criteria: Ambry Variant Classification Scheme 2023. Collection method: clinical testing. Allele origin: germline.
Comment: The p.H803R variant (also known as c.2408A>G), located in coding exon 15 of the DSC2 gene, results from an A to G substitution at nucleotide position 2408. The histidine at codon 803 is replaced by arginine, an amino acid with highly similar properties. This amino acid position is conserved. In addition, this alteration is predicted to be tolerated by in silico analysis. Since supporting evidence is limited at this time, the clinical significance of this alteration remains unclear.

Labcorp Genetics (formerly Invitae), Labcorp
Classification: Uncertain significance for Arrhythmogenic right ventricular dysplasia 11. Last evaluated: 2020-09-11. Review status: criteria provided, single submitter. Criteria: Invitae Variant Classification Sherloc (09022015). Collection method: clinical testing. Allele origin: germline.
Comment: Algorithms developed to predict the effect of missense changes on protein structure and function are either unavailable or do not agree on the potential impact of this missense change (SIFT: "Tolerated"; PolyPhen-2: "Possibly Damaging"; Align-GVGD: "Class C0"). This variant has not been reported in the literature in individuals with DSC2-related conditions. This variant is present in population databases (rs150124218, ExAC 0.01%). This sequence change replaces histidine with arginine at codon 803 of the DSC2 protein (p.His803Arg). The histidine residue is moderately conserved and there is a small physicochemical difference between histidine and arginine. In summary, the available evidence is currently insufficient to determine the role of this variant in disease. Therefore, it has been classified as a Variant of Uncertain Significance.

NM_024422.6(DSC2):c.2408A>G (p.His803Arg)

Gene: DSC2 (desmocollin 2; minus strand). Cytogenetic location: 18q12.1.
Variant type: single nucleotide variant.
Coding change: c.2408A>G on transcript NM_024422.6 (MANE Select); coding-DNA position 2408, A replaced by G.
Protein change: p.His803Arg; replaces histidine 803 with arginine.
Molecular consequence: missense variant.
Genome position (GRCh38, 1-based): chr18:31,068,994, T>C on the plus strand (A>G on the coding strand, the complement: DSC2 is on the minus strand). VCF-style: chr18-31068994-T-C. GRCh37 (hg19) VCF-style: chr18-28648960-T-C.
Other names: c.2408A>G, p.His803Arg (NM_004949.5); short protein forms H803R.
Identifiers: ClinVar variation 1026971 (VCV001026971.10), dbSNP rs150124218, ClinGen allele CA036640.
Genomic context (GRCh38, chr18:31,068,994, plus strand): 5'-TAAGTGTATCTGCAGTTGTCCACCTCCGTGTGTCCTCCCCTGCAGGAGTCCAGGGTGTGA[T>C]GGTGGCCAGCCCCCCGGCAGGATTCCGAGGTCTGGTGTCCTCCTTTCACCATTTCGATGG-3'
Protein context (NP_077740.1, residues 793-813): TSESCRGAGH[His803Arg]HTLDSCRGGH